The following is an entry in ClinVar:

NM_016312.3(WBP11):c.190+1del

Gene: WBP11 (WW domain binding protein 11; minus strand). Cytogenetic location: 12p12.3.
Variant type: Deletion.
Coding change: c.190+1del on transcript NM_016312.3 (MANE Select); the canonical splice donor site of the intron after coding-DNA position 190, one base deleted (G; older notation c.190+1delG).
Molecular consequence: splice donor variant.
Genome position (GRCh38, 1-based): chr12:14,799,634, C deleted on the plus strand (G on the coding strand, the reverse complement: WBP11 is on the minus strand); the first of 3 consecutive C bases (chr12:14,799,634-14,799,636); deleting any one gives the same sequence. VCF-style (leftmost placement, unchanged base first): chr12-14799633-AC-A. GRCh37 (hg19) VCF-style: chr12-14952567-AC-A.
Identifiers: ClinVar variation 3980649 (VCV003980649.1).

ClinVar aggregate classification (germline): Likely pathogenic (1 of 4 stars; one submission).

Conditions:
Inborn genetic diseases. Identifiers: MedGen C0950123, MeSH D030342.

Submission:

Ambry Genetics
Classification: Likely pathogenic for Inborn genetic diseases. Last evaluated: 2025-05-15. Review status: criteria provided, single submitter. Criteria: Ambry Variant Classification Scheme 2023. Collection method: clinical testing. Allele origin: germline.
Comment: The c.190+1delG intronic variant results from a deletion of 1 nucleotide at position 1 after coding exon 3 of the WBP11 gene. Alterations that disrupt the canonical splice site are expected to cause aberrant splicing, resulting in an abnormal protein or a transcript that is subject to nonsense-mediated mRNA decay. This variant was not reported in population-based cohorts in the Genome Aggregation Database (gnomAD). This nucleotide position is highly conserved in available vertebrate species. In silico splice site analysis predicts that this alteration will weaken the native splice donor site and will result in the creation or strengthening of a novel splice donor site. Based on the available evidence, this alteration is classified as likely pathogenic.